The following is an entry in ClinVar:

ClinVar aggregate classification (germline): Uncertain significance (1 of 4 stars; one submission).

Conditions:
Peripheral neuropathy. Also called: Neuropathy. Identifiers: MedGen C0031117, MONDO:0005244, HP:0009830.

Allele frequency attached by ClinVar (database versions not stated): TOPMed 0.00002; ExAC 0.00003.
gnomAD v4.1: 73 of 1,611,270 alleles (0.0045%); highest among the groups gnomAD compares: Non-Finnish European, 0.0051%; no homozygotes.

Submission:

Labcorp Genetics (formerly Invitae), Labcorp
Classification: Uncertain significance for Peripheral neuropathy. Last evaluated: 2022-11-22. Review status: criteria provided, single submitter. Criteria: Invitae Variant Classification Sherloc (09022015). Collection method: clinical testing. Allele origin: germline.
Comment: In summary, the available evidence is currently insufficient to determine the role of this variant in disease. Therefore, it has been classified as a Variant of Uncertain Significance. Advanced modeling of protein sequence and biophysical properties (such as structural, functional, and spatial information, amino acid conservation, physicochemical variation, residue mobility, and thermodynamic stability) performed at Invitae indicates that this missense variant is not expected to disrupt FLRT1 protein function. ClinVar contains an entry for this variant (Variation ID: 1043451). This variant has not been reported in the literature in individuals affected with FLRT1-related conditions. This variant is present in population databases (rs771760157, gnomAD 0.003%). This sequence change replaces arginine, which is basic and polar, with histidine, which is basic and polar, at codon 226 of the FLRT1 protein (p.Arg226His).

NM_013280.5(FLRT1):c.677G>A (p.Arg226His)

Genes: FLRT1 (fibronectin leucine rich transmembrane protein 1; plus strand), MACROD1 (mono-ADP ribosylhydrolase 1; minus strand). Cytogenetic location: 11q13.1.
Variant type: single nucleotide variant.
Coding change: c.677G>A on transcript NM_013280.5 (MANE Select); coding-DNA position 677, G replaced by A.
Protein change: p.Arg226His; replaces arginine 226 with histidine.
Molecular consequence: missense variant. On other transcripts: intron variant (2).
Genome position (GRCh38, 1-based): chr11:64,116,944, G>A. VCF-style: chr11-64116944-G-A. GRCh37 (hg19) VCF-style: chr11-63884416-G-A.
Other names: c.677G>A, p.Arg226His (NM_001384466.1); c.593G>A, p.Arg198His (NM_001423967.1); c.517+34295C>T (NM_001411019.1, NM_014067.4); short protein forms R226H, R198H.
Identifiers: ClinVar variation 1043451 (VCV001043451.8), dbSNP rs771760157, ClinGen allele CA6067525.